The following is an entry in ClinVar:

ClinVar aggregate classification (germline): Pathogenic (1 of 4 stars; one submission).

Conditions:
Wolman disease (WOLD). Also called: Acid cholesteryl ester hydrolase deficiency, Wolman type; Acid lipase disease; Wolman disease, CESD; Wolman disease with hypolipoproteinemia and acanthocytosis; LYSOSOMAL ACID LIPASE DEFICIENCY, ACUTE INFANTILE; LYSOSOMAL ACID LIPASE DEFICIENCY, COMPLETE. Identifiers: Orphanet 75233, MedGen C0043208, MONDO:0019148, OMIM 620151.

Submission:

Labcorp Genetics (formerly Invitae), Labcorp
Classification: Pathogenic for Wolman disease. Last evaluated: 2024-05-27. Review status: criteria provided, single submitter. Criteria: Invitae Variant Classification Sherloc (09022015). Collection method: clinical testing. Allele origin: germline.
Comment: This sequence change creates a premature translational stop signal (p.Val300Asnfs*30) in the LIPA gene. While this is not anticipated to result in nonsense mediated decay, it is expected to disrupt the last 100 amino acid(s) of the LIPA protein. This variant is present in population databases (rs754498326, gnomAD 0.0009%). This variant has not been reported in the literature in individuals affected with LIPA-related conditions. This variant disrupts a region of the LIPA protein in which other variant(s) (p.Asp352del) have been determined to be pathogenic (PMID: 27624512, 28220406; Invitae). This suggests that this is a clinically significant region of the protein, and that variants that disrupt it are likely to be disease-causing. For these reasons, this variant has been classified as Pathogenic.

Literature cited by the submitters: PubMed 27624512; PubMed 28220406.

NM_000235.4(LIPA):c.898_901del (p.Val300fs)

Gene: LIPA (lipase A, lysosomal acid type; minus strand). Cytogenetic location: 10q23.31.
Variant type: Deletion.
Coding change: c.898_901del on transcript NM_000235.4 (MANE Select); coding-DNA positions 898 to 901, 4 bases deleted (GTTA; older notation c.898_901delGTTA).
Protein change: p.Val300fs; shifts the reading frame from valine 300.
Molecular consequence: frameshift variant.
Genome position (GRCh38, 1-based): chr10:89,216,003-89,216,006, TAAC deleted on the plus strand (GTTA on the coding strand, the reverse complement: LIPA is on the minus strand). VCF-style (leftmost placement, unchanged base first): chr10-89216002-TTAAC-T. GRCh37 (hg19) VCF-style: chr10-90975759-TTAAC-T.
Other names: c.898_901del, p.Val300fs (NM_001127605.3); c.550_553del, p.Val184fs (NM_001288979.2); short protein forms V184fs, V300fs.
Identifiers: ClinVar variation 3654738 (VCV003654738.2).